The following is an entry in ClinVar:

NM_000383.4(AIRE):c.851C>G (p.Ala284Gly)

Gene: AIRE (autoimmune regulator; plus strand). Cytogenetic location: 21q22.3.
Variant type: single nucleotide variant.
Coding change: c.851C>G on transcript NM_000383.4 (MANE Select); coding-DNA position 851, C replaced by G.
Protein change: p.Ala284Gly; replaces alanine 284 with glycine.
Molecular consequence: missense variant.
Genome position (GRCh38, 1-based): chr21:44,290,040, C>G. VCF-style: chr21-44290040-C-G. GRCh37 (hg19) VCF-style: chr21-45709923-C-G.
Other names: short protein forms A284G.
Identifiers: ClinVar variation 1928680 (VCV001928680.5), dbSNP rs775120946, ClinGen allele CA10051750.
Genomic context (GRCh38, chr21:44,290,040, plus strand): 5'-CCTTGCAGGGTGGAGGTGAGGCTAGGCTGGGCCAGCAGGGCAGCGTTCCCGCCCCTCTGG[C>G]CCTCCCCAGTGACCCCCAGCTCCACCAGGTAATGCCCTAGACCACAGGAGAGGCCCCTGT-3'
Protein context (NP_000374.1, residues 274-294): GQQGSVPAPL[Ala284Gly]LPSDPQLHQK

ClinVar aggregate classification (germline): Uncertain significance (1 of 4 stars; one submission).

Conditions:
Polyglandular autoimmune syndrome, type 1 (APS1). Also called: Autoimmune polyendocrinopathy syndrome , type I, with or without reversible metaphyseal dysplasia; HYPOADRENOCORTICISM WITH HYPOPARATHYROIDISM AND SUPERFICIAL MONILIASIS; PGA I; Autoimmune polyendocrinopathy syndrome, type I; Autoimmune polyendocrine syndrome type 1; AUTOIMMUNE POLYENDOCRINE SYNDROME, TYPE I, WITH OR WITHOUT REVERSIBLE METAPHYSEAL DYSPLASIA. Identifiers: Orphanet 3453, MedGen C0085859, MONDO:0009411, OMIM 240300.

Allele frequency attached by ClinVar (database versions not stated): TOPMed below 0.00001; ExAC 0.00001; gnomAD 0.00001; gnomAD exomes 0.00001.

Submission:

Labcorp Genetics (formerly Invitae), Labcorp
Classification: Uncertain significance for Polyglandular autoimmune syndrome, type 1. Last evaluated: 2024-10-26. Review status: criteria provided, single submitter. Criteria: Invitae Variant Classification Sherloc (09022015). Collection method: clinical testing. Allele origin: germline.
Comment: This sequence change replaces alanine, which is neutral and non-polar, with glycine, which is neutral and non-polar, at codon 284 of the AIRE protein (p.Ala284Gly). The frequency data for this variant in the population databases is considered unreliable, as metrics indicate poor data quality at this position in the gnomAD database. This variant has not been reported in the literature in individuals affected with AIRE-related conditions. ClinVar contains an entry for this variant (Variation ID: 1928680). Invitae Evidence Modeling of protein sequence and biophysical properties (such as structural, functional, and spatial information, amino acid conservation, physicochemical variation, residue mobility, and thermodynamic stability) indicates that this missense variant is not expected to disrupt AIRE protein function with a negative predictive value of 95%. In summary, the available evidence is currently insufficient to determine the role of this variant in disease. Therefore, it has been classified as a Variant of Uncertain Significance.